The following is an entry in ClinVar:

ClinVar aggregate classification (germline): Likely benign. Review status: criteria provided, multiple submitters, no conflicts (2 of 4 stars). 4 submissions from 4 submitters: Likely benign (4). Last evaluated 2025-09-02.

Conditions:
Christianson syndrome (MRXSCH). Also called: INTELLECTUAL DEVELOPMENTAL DISORDER, X-LINKED, SYNDROMIC, CHRISTIANSON TYPE; X-linked mental retardation, syndromic, Christianson type; SLC9A6-Related Syndromic Mental Retardation. Identifiers: Orphanet 85278, MedGen C2678194, MONDO:0010278, OMIM 300243.

Allele frequency attached by ClinVar (database versions not stated): gnomAD exomes 0.00004 and 0.00005; TOPMed 0.00004; ExAC 0.00006; gnomAD 0.00006 and 0.00007; ESP Exome Variant Server 0.00019.
gnomAD v4.1: 46 of 1,177,217 alleles (0.0039%); highest among the groups gnomAD compares: Non-Finnish European, 0.0047%; no homozygotes.

Submissions (4):

Labcorp Genetics (formerly Invitae), Labcorp
Classification: Likely benign for Christianson syndrome. Last evaluated: 2025-09-02. Review status: criteria provided, single submitter. Criteria: Invitae Variant Classification Sherloc (09022015). Collection method: clinical testing. Allele origin: germline.

CeGaT Center for Human Genetics Tuebingen
Classification: Likely benign. Last evaluated: 2025-06-01. Review status: criteria provided, single submitter. Criteria: CeGaT Center For Human Genetics Tuebingen Variant Classification Criteria Version 2. Collection method: clinical testing. Allele origin: germline. Affected: yes. Observed: 1 variant allele.
Comment: SLC9A6: BP4, BP7, BS2

GeneDx
Classification: Likely benign. Last evaluated: 2019-01-28. Review status: criteria provided, single submitter. Criteria: GeneDx Variant Classification Process June 2021. Collection method: clinical testing. Allele origin: germline. Affected: yes.

Genetic Services Laboratory, University of Chicago
Classification: Likely benign. Last evaluated: 2017-06-22. Review status: criteria provided, single submitter. Criteria: ACMG Guidelines, 2015. Collection method: clinical testing. Allele origin: germline. Affected: no.

NM_001379110.1(SLC9A6):c.1287A>G (p.Gln429=)

Gene: SLC9A6 (solute carrier family 9 member A6; plus strand). Cytogenetic location: Xq26.3.
Variant type: single nucleotide variant.
Coding change: c.1287A>G on transcript NM_001379110.1 (MANE Select); coding-DNA position 1287, A replaced by G.
Protein change: p.Gln429=; no amino-acid change (glutamine 429 retained).
Molecular consequence: synonymous variant.
Genome position (GRCh38, 1-based): chrX:136,022,678, A>G. VCF-style: chrX-136022678-A-G. GRCh37 (hg19) VCF-style: chrX-135104837-A-G.
Other names: p.Q449Q:CAA>CAG; c.1443A>G, p.Gln481= (NM_001042537.2); c.1287A>G, p.Gln429= (NM_001177651.2); c.1191A>G, p.Gln397= (NM_001330652.2); c.1347A>G, p.Gln449= (NM_006359.3).
Identifiers: ClinVar variation 207234 (VCV000207234.27), dbSNP rs142161862, ClinGen allele CA318504.